The following is an entry in ClinVar:

NM_198253.3(TERT):c.3304C>A (p.Gln1102Lys)

Gene: TERT (telomerase reverse transcriptase; minus strand). Cytogenetic location: 5p15.33.
Variant type: single nucleotide variant.
Coding change: c.3304C>A on transcript NM_198253.3 (MANE Select); coding-DNA position 3304, C replaced by A.
Protein change: p.Gln1102Lys; replaces glutamine 1102 with lysine.
Molecular consequence: missense variant. On other transcripts: non-coding transcript variant (2).
Genome position (GRCh38, 1-based): chr5:1,253,823, G>T on the plus strand (C>A on the coding strand, the complement: TERT is on the minus strand). VCF-style: chr5-1253823-G-T. GRCh37 (hg19) VCF-style: chr5-1253938-G-T.
Other names: c.3115C>A, p.Gln1039Lys (NM_001193376.3); short protein forms Q1102K, Q1039K.
Identifiers: ClinVar variation 410672 (VCV000410672.17), dbSNP rs1042447238, ClinGen allele CA16611684.
Genomic context (GRCh38, chr5:1,253,823, plus strand): 5'-CCGGGTTGGCTGCGGCCTCCAGGGCAGTCAGCGTCGTCCCCGGGAGCTTCCGACTCAGCT[G>T]CGTCTGGGCTGCGGGGCCAAAATCAGACTCCGTTCCAGAAGAGGCCAGAGGTGGCATCCT-3'
Protein context (NP_937983.2, residues 1092-1112): LLGSLRTAQT[Gln1102Lys]LSRKLPGTTL

ClinVar aggregate classification (germline): Uncertain significance. Review status: criteria provided, multiple submitters, no conflicts (2 of 4 stars). 5 submissions from 5 submitters: Uncertain significance (5). Last evaluated 2026-01-24.

Conditions:
Idiopathic Pulmonary Fibrosis. Also called: Idiopathic fibrosing alveolitis, chronic form; idiopathic fibrosing alveolitis. Identifiers: Orphanet 2032, MedGen C1800706, MeSH D054990, MONDO:0800504.
Dyskeratosis congenita, autosomal dominant 2. Identifiers: MedGen C3151443, MONDO:0013521, OMIM 613989.
Dyskeratosis congenita. Identifiers: Orphanet 1775, MedGen C0265965, MONDO:0015780.

Allele frequency attached by ClinVar (database versions not stated): TOPMed 0.00001; gnomAD 0.00002.
gnomAD v4.1: 67 of 1,609,542 alleles (0.0042%); highest among the groups gnomAD compares: African/African-American, 0.0067%; no homozygotes.

Submissions (5):

Labcorp Genetics (formerly Invitae), Labcorp
Classification: Uncertain significance for Dyskeratosis congenita, autosomal dominant 2; Idiopathic Pulmonary Fibrosis. Last evaluated: 2026-01-24. Review status: criteria provided, single submitter. Criteria: Invitae Variant Classification Sherloc (09022015). Collection method: clinical testing. Allele origin: germline.
Comment: This sequence change replaces glutamine, which is neutral and polar, with lysine, which is basic and polar, at codon 1102 of the TERT protein (p.Gln1102Lys). This variant is present in population databases (no rsID available, gnomAD 0.002%). This variant has not been reported in the literature in individuals affected with TERT-related conditions. ClinVar contains an entry for this variant (Variation ID: 410672). Invitae Evidence Modeling of protein sequence and biophysical properties (such as structural, functional, and spatial information, amino acid conservation, physicochemical variation, residue mobility, and thermodynamic stability) indicates that this missense variant is not expected to disrupt TERT protein function with a negative predictive value of 95%. In summary, the available evidence is currently insufficient to determine the role of this variant in disease. Therefore, it has been classified as a Variant of Uncertain Significance.

Ambry Genetics
Classification: Uncertain significance for Dyskeratosis congenita. Last evaluated: 2024-12-06. Review status: criteria provided, single submitter. Criteria: Ambry Variant Classification Scheme 2023. Collection method: clinical testing. Allele origin: germline.
Comment: The p.Q1102K variant (also known as c.3304C>A), located in coding exon 16 of the TERT gene, results from a C to A substitution at nucleotide position 3304. The glutamine at codon 1102 is replaced by lysine, an amino acid with similar properties. This amino acid position is conserved. In addition, this alteration is predicted to be tolerated by in silico analysis. Since supporting evidence is limited at this time, the clinical significance of this alteration remains unclear.

GeneDx
Classification: Uncertain significance. Last evaluated: 2024-09-09. Review status: criteria provided, single submitter. Criteria: GeneDx Variant Classification Process June 2021. Collection method: clinical testing. Allele origin: germline. Affected: yes.
Comment: Not observed at significant frequency in large population cohorts (gnomAD); In silico analysis indicates that this missense variant does not alter protein structure/function; Has not been previously published as pathogenic or benign to our knowledge

Blueprint Genetics
Classification: Uncertain significance. Last evaluated: 2024-04-22. Review status: criteria provided, single submitter. Criteria: ACMG Guidelines, 2015. Collection method: clinical testing. Allele origin: germline.

Baylor Genetics
Classification: Uncertain significance for Dyskeratosis congenita, autosomal dominant 2. Last evaluated: 2023-10-30. Review status: criteria provided, single submitter. Criteria: ACMG Guidelines, 2015. Collection method: clinical testing. Allele origin: unknown.